The following is an entry in ClinVar:

NM_006306.4(SMC1A):c.3497A>G (p.Asn1166Ser)

Gene: SMC1A (structural maintenance of chromosomes 1A; minus strand). Cytogenetic location: Xp11.22.
Variant type: single nucleotide variant.
Coding change: c.3497A>G on transcript NM_006306.4 (MANE Select); coding-DNA position 3497, A replaced by G.
Protein change: p.Asn1166Ser; replaces asparagine 1166 with serine.
Molecular consequence: missense variant.
Genome position (GRCh38, 1-based): chrX:53,381,028, T>C on the plus strand (A>G on the coding strand, the complement: SMC1A is on the minus strand). VCF-style: chrX-53381028-T-C. GRCh37 (hg19) VCF-style: chrX-53407949-T-C.
Other names: c.3431A>G, p.Asn1144Ser (NM_001281463.1); short protein forms N1144S, N1166S.
Identifiers: ClinVar variation 520894 (VCV000520894.9), dbSNP rs1556885810, ClinGen allele CA413242604.

ClinVar aggregate classification (germline): Conflicting classifications of pathogenicity. Review status: criteria provided, conflicting classifications (1 of 4 stars). 3 submissions from 3 submitters: Likely pathogenic (2); Uncertain significance (1). Last evaluated 2023-07-18.

Conditions:
Inborn genetic diseases. Identifiers: MedGen C0950123, MeSH D030342.
Congenital muscular hypertrophy-cerebral syndrome (CDLS2). Also called: SMC1A-Related Cornelia de Lange Syndrome; Cornelia de Lange syndrome 2. Identifiers: Orphanet 199, MedGen C1802395, MONDO:0010370, OMIM 300590.

Submissions (3):

Greenwood Genetic Center Diagnostic Laboratories, Greenwood Genetic Center
Classification: Likely pathogenic for Congenital muscular hypertrophy-cerebral syndrome. Last evaluated: 2023-07-18. Review status: criteria provided, single submitter. Criteria: ACMG Guidelines, 2015. Collection method: clinical testing. Allele origin: germline. Affected: yes.
Comment: PS2, PM2, PM5_Supporting, PP2, PP3

Labcorp Genetics (formerly Invitae), Labcorp
Classification: Likely pathogenic for Congenital muscular hypertrophy-cerebral syndrome. Last evaluated: 2023-02-01. Review status: criteria provided, single submitter. Criteria: Invitae Variant Classification Sherloc (09022015). Collection method: clinical testing. Allele origin: germline.
Comment: In summary, the currently available evidence indicates that the variant is pathogenic, but additional data are needed to prove that conclusively. Therefore, this variant has been classified as Likely Pathogenic. This variant disrupts the p.Asn1166 amino acid residue in SMC1A. Other variant(s) that disrupt this residue have been determined to be pathogenic (PMID: 24124034, 33619735). This suggests that this residue is clinically significant, and that variants that disrupt this residue are likely to be disease-causing. Advanced modeling of protein sequence and biophysical properties (such as structural, functional, and spatial information, amino acid conservation, physicochemical variation, residue mobility, and thermodynamic stability) performed at Invitae indicates that this missense variant is expected to disrupt SMC1A protein function. ClinVar contains an entry for this variant (Variation ID: 520894). This variant has not been reported in the literature in individuals affected with SMC1A-related conditions. This variant is not present in population databases (gnomAD no frequency). This sequence change replaces asparagine, which is neutral and polar, with serine, which is neutral and polar, at codon 1166 of the SMC1A protein (p.Asn1166Ser).

Ambry Genetics
Classification: Uncertain significance for Inborn genetic diseases. Last evaluated: 2015-12-08. Review status: criteria provided, single submitter. Criteria: Ambry exome assertion method (8-5-2015). Collection method: clinical testing. Allele origin: germline. Affected: yes. Observed: 1 variant allele.

Literature cited by the submitters: PubMed 24124034 (cited by Labcorp Genetics (formerly Invitae), Labcorp and Ambry Genetics); PubMed 33619735 (cited by Labcorp Genetics (formerly Invitae), Labcorp); PubMed 11532960 (cited by Ambry Genetics); PubMed 19701948 (cited by Ambry Genetics).